The following is an entry in ClinVar:

ClinVar aggregate classification (germline): Uncertain significance (1 of 4 stars; one submission).

Conditions:
Inborn genetic diseases. Identifiers: MedGen C0950123, MeSH D030342.

gnomAD v4.1: 36 of 1,613,692 alleles (0.0022%); highest among the groups gnomAD compares: Admixed American, 0.0083%; no homozygotes.

Submission:

Ambry Genetics
Classification: Uncertain significance for Inborn genetic diseases. Last evaluated: 2026-06-03. Review status: criteria provided, single submitter. Criteria: Ambry Variant Classification Scheme 2023. Collection method: clinical testing. Allele origin: germline.
Comment: The c.1673C>T (p.T558I) alteration is located in exon 12 (coding exon 12) of the ADAMTS3 gene. This alteration results from a C to T substitution at nucleotide position 1673, causing the threonine (T) at amino acid position 558 to be replaced by an isoleucine (I). Based on data from gnomAD, the T allele has an overall frequency of 0.003% (7/282300) total alleles studied. The highest observed frequency was 0.014% (1/7210) of Other alleles. Based on insufficient or conflicting evidence, the clinical significance of this alteration remains unclear.

NM_014243.3(ADAMTS3):c.1673C>T (p.Thr558Ile)

Gene: ADAMTS3 (ADAM metallopeptidase with thrombospondin type 1 motif 3; minus strand). Cytogenetic location: 4q13.3.
Variant type: single nucleotide variant.
Coding change: c.1673C>T on transcript NM_014243.3 (MANE Select); coding-DNA position 1673, C replaced by T.
Protein change: p.Thr558Ile; replaces threonine 558 with isoleucine.
Molecular consequence: missense variant.
Genome position (GRCh38, 1-based): chr4:72,313,749, G>A on the plus strand (C>T on the coding strand, the complement: ADAMTS3 is on the minus strand). VCF-style: chr4-72313749-G-A. GRCh37 (hg19) VCF-style: chr4-73179466-G-A.
Other names: short protein forms T558I.
Identifiers: ClinVar variation 3267442 (VCV003267442.2).
Genomic context (GRCh38, chr4:72,313,749, plus strand): 5'-CACTGGCGTGTTCTGAAACGAACACCAGTTCCACATGTCCGAGAACAGGAGCCAAATTTA[G>A]TCCATGACCCCCAATTGCCATCTTGTTTTTGCTGATTAGCATTCTTCCACATGCAATGAC-3'
Protein context (NP_055058.2, residues 548-568): QKQDGNWGSW[Thr558Ile]KFGSCSRTCG